The following is an entry in ClinVar:

NM_001276345.2(TNNT2):c.282_285dup (p.Asp96fs)

Gene: TNNT2 (troponin T2, cardiac type; minus strand). Cytogenetic location: 1q32.1.
Variant type: Duplication.
Coding change: c.282_285dup on transcript NM_001276345.2 (MANE Select); coding-DNA positions 282 to 285, 4 bases duplicated (AGTG; older notation c.282_285dupAGTG).
Protein change: p.Asp96fs; shifts the reading frame from aspartic acid 96.
Molecular consequence: frameshift variant.
Genome position (GRCh38, 1-based): chr1:201,365,619-201,365,622, CACT duplicated on the plus strand (AGTG on the coding strand, the reverse complement: TNNT2 is on the minus strand); duplicating any 4 consecutive bases within chr1:201,365,619-201,365,623 gives the same sequence; the c. name uses the placement nearest the transcript's 3' end. VCF-style (leftmost placement, unchanged base first): chr1-201365618-C-CCACT. GRCh37 (hg19) VCF-style: chr1-201334746-C-CCACT.
Other names: c.282_285dup, p.Asp96fs (NM_000364.4); c.252_255dup, p.Asp86fs (NM_001001430.3, NM_001001431.3, NM_001276347.2); c.237_240dup, p.Asp81fs (NM_001001432.3); c.279_282dup, p.Asp95fs (NM_001276346.2); c.281_284dup, p.Asp96Serfs (NM_001406723.1); c.251_254dup, p.Asp86Serfs (NM_001406724.1, NM_001406726.1, NM_001406727.1); c.248_251dup, p.Asp85Serfs (NM_001406725.1); c.236_239dup, p.Asp81Serfs (NM_001406728.1); short protein forms D95fs, D86fs, D96fs, D81fs.
Identifiers: ClinVar variation 2011748 (VCV002011748.4), dbSNP rs2527025081, ClinGen allele CA2580061937.

ClinVar aggregate classification (germline): Uncertain significance (1 of 4 stars; one submission).

Conditions:
Dilated cardiomyopathy 1D. Identifiers: Orphanet 154, Orphanet 54260, MedGen C1832243, MONDO:0011095, OMIM 601494.
Cardiomyopathy, familial restrictive, 3. Identifiers: Orphanet 75249, MedGen C2676271, MONDO:0012900, OMIM 612422.
Hypertrophic cardiomyopathy 2. Also called: TNNT2-Related Familial Hypertrophic Cardiomyopathy. Identifiers: MedGen C1861864, MONDO:0007266, OMIM 115195.

Submission:

Labcorp Genetics (formerly Invitae), Labcorp
Classification: Uncertain significance for Cardiomyopathy, familial restrictive, 3; Hypertrophic cardiomyopathy 2; Dilated cardiomyopathy 1D. Last evaluated: 2022-06-28. Review status: criteria provided, single submitter. Criteria: Invitae Variant Classification Sherloc (09022015). Collection method: clinical testing. Allele origin: germline.
Comment: Algorithms developed to predict the effect of sequence changes on RNA splicing suggest that this variant may create or strengthen a splice site. This variant has not been reported in the literature in individuals affected with TNNT2-related conditions. This variant is not present in population databases (gnomAD no frequency). This sequence change creates a premature translational stop signal (p.Asp86Serfs*4) in the TNNT2 gene. It is expected to result in an absent or disrupted protein product. However, the current clinical and genetic evidence is not sufficient to establish whether loss-of-function variants in TNNT2 cause disease. In summary, the available evidence is currently insufficient to determine the role of this variant in disease. Therefore, it has been classified as a Variant of Uncertain Significance.